The following is an entry in ClinVar:

ClinVar aggregate classification (germline): Likely benign (0 of 4 stars; one submission).

Conditions:
RABL3-related disorder. Also called: RABL3-related condition.

Allele frequency attached by ClinVar (database versions not stated): ExAC 0.00001; gnomAD 0.00002; TOPMed 0.00003.
gnomAD v4.1: 37 of 1,613,824 alleles (0.0023%); highest among the groups gnomAD compares: Non-Finnish European, 0.0031%; no homozygotes.

Submission:

PreventionGenetics, part of Exact Sciences
Classification: Likely benign for RABL3-related condition. Last evaluated: 2022-03-02. Review status: no assertion criteria provided. Collection method: clinical testing. Allele origin: germline.
Comment: This variant is classified as likely benign based on ACMG/AMP sequence variant interpretation guidelines (Richards et al. 2015 PMID: 25741868, with internal and published modifications).

NM_173825.5(RABL3):c.96G>A (p.Leu32=)

Gene: RABL3 (RAB, member of RAS oncogene family like 3; minus strand). Cytogenetic location: 3q13.33.
Variant type: single nucleotide variant.
Coding change: c.96G>A on transcript NM_173825.5 (MANE Select); coding-DNA position 96, G replaced by A.
Protein change: p.Leu32=; no amino-acid change (leucine 32 retained).
Molecular consequence: synonymous variant. On other transcripts: non-coding transcript variant (1).
Genome position (GRCh38, 1-based): chr3:120,730,738, C>T on the plus strand (G>A on the coding strand, the complement: RABL3 is on the minus strand). VCF-style: chr3-120730738-C-T. GRCh37 (hg19) VCF-style: chr3-120449585-C-T.
Other names: c.96G>A, p.Leu32= (NM_001363964.1, NM_001363965.1).
Identifiers: ClinVar variation 3036967 (VCV003036967.2), dbSNP rs753837699, ClinGen allele CA2560624.